The following is an entry in ClinVar:

NM_001393769.1(MED12L):c.5087A>C (p.Gln1696Pro)

Gene: MED12L (mediator complex subunit 12L; plus strand). Cytogenetic location: 3q25.1.
Variant type: single nucleotide variant.
Coding change: c.5087A>C on transcript NM_001393769.1 (MANE Select); coding-DNA position 5087, A replaced by C.
Protein change: p.Gln1696Pro; replaces glutamine 1696 with proline.
Molecular consequence: missense variant.
Genome position (GRCh38, 1-based): chr3:151,385,190, A>C. VCF-style: chr3-151385190-A-C. GRCh37 (hg19) VCF-style: chr3-151102978-A-C.
Other names: c.4982A>C, p.Gln1661Pro (NM_053002.6); short protein forms Q1696P, Q1661P.
Identifiers: ClinVar variation 4718822 (VCV004718822.1).

ClinVar aggregate classification (germline): Uncertain significance (1 of 4 stars; one submission).

Submission:

Labcorp Genetics (formerly Invitae), Labcorp
Classification: Uncertain significance. Last evaluated: 2025-05-02. Review status: criteria provided, single submitter. Criteria: Invitae Variant Classification Sherloc (09022015). Collection method: clinical testing. Allele origin: germline.
Comment: This sequence change replaces glutamine, which is neutral and polar, with proline, which is neutral and non-polar, at codon 1661 of the MED12L protein (p.Gln1661Pro). This variant is not present in population databases (gnomAD no frequency). This variant has not been reported in the literature in individuals affected with MED12L-related conditions. An algorithm developed to predict the effect of missense changes on protein structure and function (PolyPhen-2) suggests that this variant is likely to be disruptive. Algorithms developed to predict the effect of sequence changes on RNA splicing suggest that this variant may disrupt the consensus splice site. In summary, the available evidence is currently insufficient to determine the role of this variant in disease. Therefore, it has been classified as a Variant of Uncertain Significance.